The following is an entry in ClinVar:

NM_001079802.2(FKTN):c.105+6T>G

Gene: FKTN (fukutin; plus strand). Cytogenetic location: 9q31.2.
Variant type: single nucleotide variant.
Coding change: c.105+6T>G on transcript NM_001079802.2 (MANE Select); 6 bases into the intron after coding-DNA position 105, T replaced by G.
Molecular consequence: intron variant.
Genome position (GRCh38, 1-based): chr9:105,575,143, T>G. VCF-style: chr9-105575143-T-G. GRCh37 (hg19) VCF-style: chr9-108337424-T-G.
Other names: c.105+6T>G (NM_006731.2, NM_001351496.2, NM_001198963.2 and 1 more transcripts); c.-410+6T>G (NM_001351502.2, NM_001351499.2, NM_001351500.2 and 1 more transcripts); c.-63+6T>G (NM_001351497.2).
Identifiers: ClinVar variation 1521019 (VCV001521019.3), dbSNP rs754468850, ClinGen allele CA5170299.
Genomic context (GRCh38, chr9:105,575,143, plus strand): 5'-TTCTGCATTTCTGCTGTTTCAGTTGTACTACTACAAGCACTATTTATCAACAAAGGTAAT[T>G]TTATTCCTTCTTTCTTATCATTCCTCCTTTCTTATCATTGTATATTTTCTGATCACACTT-3'

ClinVar aggregate classification (germline): Uncertain significance (1 of 4 stars; one submission).

Conditions:
Walker-Warburg congenital muscular dystrophy. Also called: Muscular dystrophy-dystroglycanopathy, type A; Walker-Warburg syndrome. Identifiers: Orphanet 899, MedGen C0265221, MONDO:0000171.

Allele frequency attached by ClinVar (database versions not stated): TOPMed below 0.00001; gnomAD 0.00001; gnomAD exomes 0.00001; ExAC 0.00002.
gnomAD v4.1: 4 of 1,425,754 alleles (0.00028%); highest among the groups gnomAD compares: East Asian, 0.0091%; no homozygotes.

Submission:

Labcorp Genetics (formerly Invitae), Labcorp
Classification: Uncertain significance for Walker-Warburg congenital muscular dystrophy. Last evaluated: 2021-10-29. Review status: criteria provided, single submitter. Criteria: Invitae Variant Classification Sherloc (09022015). Collection method: clinical testing. Allele origin: germline.
Comment: This sequence change falls in intron 3 of the FKTN gene. It does not directly change the encoded amino acid sequence of the FKTN protein. It affects a nucleotide within the consensus splice site. This variant is present in population databases (rs754468850, gnomAD 0.02%). This variant has not been reported in the literature in individuals affected with FKTN-related conditions. Variants that disrupt the consensus splice site are a relatively common cause of aberrant splicing (PMID: 17576681, 9536098). Algorithms developed to predict the effect of sequence changes on RNA splicing suggest that this variant is not likely to affect RNA splicing. In summary, the available evidence is currently insufficient to determine the role of this variant in disease. Therefore, it has been classified as a Variant of Uncertain Significance.

Literature cited by the submitters: PubMed 17576681; PubMed 9536098.